The following is an entry in ClinVar:

ClinVar aggregate classification (germline): Pathogenic. Review status: criteria provided, multiple submitters, no conflicts (2 of 4 stars). 2 submissions from 2 submitters: Pathogenic (2). Last evaluated 2022-11-28.

Conditions:
PDZD7-related disorder. Also called: PDZD7-related condition; PDZD7-related disorders.

Allele frequency attached by ClinVar (database versions not stated): 1000 Genomes Project 30x 0.00016; 1000 Genomes Project 0.00020.
gnomAD v4.1: 26 of 1,614,268 alleles (0.0016%); highest among the groups gnomAD compares: African/African-American, 0.0093%; no homozygotes.

Submissions (2):

Labcorp Genetics (formerly Invitae), Labcorp
Classification: Pathogenic. Last evaluated: 2022-11-28. Review status: criteria provided, single submitter. Criteria: Invitae Variant Classification Sherloc (09022015). Collection method: clinical testing. Allele origin: germline.
Comment: For these reasons, this variant has been classified as Pathogenic. Advanced modeling of protein sequence and biophysical properties (such as structural, functional, and spatial information, amino acid conservation, physicochemical variation, residue mobility, and thermodynamic stability) has been performed at Invitae for this missense variant, however the output from this modeling did not meet the statistical confidence thresholds required to predict the impact of this variant on PDZD7 protein function. This missense change has been observed in individual(s) with deafness (PMID: 26416264). It has also been observed to segregate with disease in related individuals. This variant is present in population databases (rs148695069, gnomAD 0.008%). This sequence change replaces glycine, which is neutral and non-polar, with arginine, which is basic and polar, at codon 103 of the PDZD7 protein (p.Gly103Arg).

Blueprint Genetics
Classification: Pathogenic for PDZD7-related disorders. Last evaluated: 2018-07-27. Review status: criteria provided, single submitter. Criteria: ACMG Guidelines, 2015. Collection method: clinical testing. Allele origin: germline. Affected: yes. Observed: 1 variant allele.

Literature cited by the submitters: PubMed 26416264 (cited by Labcorp Genetics (formerly Invitae), Labcorp).

NM_001195263.2(PDZD7):c.307G>A (p.Gly103Arg)

Gene: PDZD7 (PDZ domain containing 7; minus strand). Cytogenetic location: 10q24.31.
Variant type: single nucleotide variant.
Coding change: c.307G>A on transcript NM_001195263.2 (MANE Select); coding-DNA position 307, G replaced by A.
Protein change: p.Gly103Arg; replaces glycine 103 with arginine.
Molecular consequence: missense variant.
Genome position (GRCh38, 1-based): chr10:101,023,988, C>T on the plus strand (G>A on the coding strand, the complement: PDZD7 is on the minus strand). VCF-style: chr10-101023988-C-T. GRCh37 (hg19) VCF-style: chr10-102783745-C-T.
Other names: c.307G>A, p.Gly103Arg (NM_001351044.2, NM_024895.5); short protein forms G103R.
Identifiers: ClinVar variation 1904916 (VCV001904916.6), dbSNP rs148695069, ClinGen allele CA5654446.